The following is an entry in ClinVar:

ClinVar aggregate classification (germline): Likely benign. Review status: criteria provided, multiple submitters, no conflicts (2 of 4 stars). 2 submissions from 2 submitters: Likely benign (2). Last evaluated 2025-01-29.

Conditions:
DNAH5-related disorder. Also called: DNAH5-related condition.
Primary ciliary dyskinesia. Also called: Ciliary dyskinesia. Identifiers: Orphanet 244, MedGen C0008780, MONDO:0016575, HP:0012265.

gnomAD v4.1: 4 of 1,613,946 alleles (0.00025%); highest among the groups gnomAD compares: Non-Finnish European, 0.00034%; no homozygotes.

Submissions (2):

PreventionGenetics, part of Exact Sciences
Classification: Likely benign for DNAH5-related condition. Last evaluated: 2025-01-29. Review status: criteria provided, single submitter. Criteria: ACMG Guidelines, 2015. Collection method: clinical testing. Allele origin: germline.
Comment: This variant is classified as likely benign based on ACMG/AMP sequence variant interpretation guidelines (Richards et al. 2015 PMID: 25741868, with internal and published modifications).

Labcorp Genetics (formerly Invitae), Labcorp
Classification: Likely benign for Primary ciliary dyskinesia. Last evaluated: 2024-07-08. Review status: criteria provided, single submitter. Criteria: Invitae Variant Classification Sherloc (09022015). Collection method: clinical testing. Allele origin: germline.

NM_001369.3(DNAH5):c.2744-5A>T

Genes: DNAH5 (dynein axonemal heavy chain 5; minus strand), DNAH5-AS1 (DNAH5 antisense RNA 1; plus strand). Cytogenetic location: 5p15.2.
Variant type: single nucleotide variant.
Coding change: c.2744-5A>T on transcript NM_001369.3 (MANE Select); 5 bases into the intron before coding-DNA position 2744, A replaced by T.
Molecular consequence: intron variant.
Genome position (GRCh38, 1-based): chr5:13,885,233, T>A on the plus strand (A>T on the coding strand, the complement: DNAH5 is on the minus strand). VCF-style: chr5-13885233-T-A. GRCh37 (hg19) VCF-style: chr5-13885342-T-A.
Other names: c.2744-5A>T (NM_001369.2).
Identifiers: ClinVar variation 2140763 (VCV002140763.5), dbSNP rs1392179441, ClinGen allele CA557877005.
Genomic context (GRCh38, chr5:13,885,233, plus strand): 5'-GGCCCTGGCATTAATAGATGATGTCAAGGTGTCAAAATTTCCTTCTTCTCTTTTTGCTGT[T>A]ACAAGATGAAAGAGATAGAGATAGAGATAAGTTAGATGGATGGATGGATAGATAGACAGA-3'